The following is an entry in ClinVar:

NM_005412.6(SHMT2):c.1124-4_1126delinsA

Gene: SHMT2 (serine hydroxymethyltransferase 2; plus strand). Cytogenetic location: 12q13.3.
Variant type: Indel.
Coding change: c.1124-4_1126delinsA on transcript NM_005412.6 (MANE Select); 4 bases into the intron before coding-DNA position 1124 through coding-DNA position 1126, TTAGGTG replaced by A.
Molecular consequence: splice acceptor variant.
Genome position (GRCh38, 1-based): chr12:57,233,745-57,233,751, TTAGGTG replaced by A. VCF-style: chr12-57233745-TTAGGTG-A. GRCh37 (hg19) VCF-style: chr12-57627528-TTAGGTG-A.
Other names: G375del; c.1094-4_1096delinsA (NM_001166356.2); c.1061-4_1063delinsA (NM_001166358.2, NM_001166359.1, NM_001166357.1).
Identifiers: ClinVar variation 988634 (VCV000988634.1), dbSNP rs2037430917, ClinGen allele CA1139662763.

ClinVar aggregate classification (germline): no classifications from unflagged records (0 of 4 stars; one submission).

Conditions:
Neurodevelopmental disorder with cardiomyopathy, spasticity, and brain abnormalities. Identifiers: MedGen C5436848, MONDO:0030866, OMIM 619121.

Submission:

OMIM
Classification: Pathogenic for NEURODEVELOPMENTAL DISORDER WITH CARDIOMYOPATHY, SPASTICITY, AND BRAIN ABNORMALITIES. Last evaluated: 2020-12-11. Review status: flagged submission. Collection method: literature only. Allele origin: germline.
ClinVar note: Notes: Flagging candidate with reason of insufficient supporting evidence. This gene has been classified as having a limited gene-disease relationship by a ClinGen Expert Panel.
ClinVar note: Reason: P/LP classification for a variant in a gene with insufficient evidence for a gene-disease relationship

Literature cited by the submitters: PubMed 33015733.